The following is an entry in ClinVar:

NM_000836.4(GRIN2D):c.787G>T (p.Ala263Ser)

Gene: GRIN2D (glutamate ionotropic receptor NMDA type subunit 2D; plus strand). Cytogenetic location: 19q13.33.
Variant type: single nucleotide variant.
Coding change: c.787G>T on transcript NM_000836.4 (MANE Select); coding-DNA position 787, G replaced by T.
Protein change: p.Ala263Ser; replaces alanine 263 with serine.
Molecular consequence: missense variant.
Genome position (GRCh38, 1-based): chr19:48,405,055, G>T. VCF-style: chr19-48405055-G-T. GRCh37 (hg19) VCF-style: chr19-48908312-G-T.
Other names: short protein forms A263S.
Identifiers: ClinVar variation 2905792 (VCV002905792.3), dbSNP rs1441639112, ClinGen allele CA406692298.

ClinVar aggregate classification (germline): Uncertain significance (1 of 4 stars; one submission).

Allele frequency attached by ClinVar (database versions not stated): gnomAD 0.00001; gnomAD exomes below 0.00001; TOPMed below 0.00001.
gnomAD v4.1: 7 of 1,608,270 alleles (0.00044%); highest among the groups gnomAD compares: Non-Finnish European, 0.00059%; no homozygotes.

Submission:

Labcorp Genetics (formerly Invitae), Labcorp
Classification: Uncertain significance. Last evaluated: 2026-01-01. Review status: criteria provided, single submitter. Criteria: Invitae Variant Classification Sherloc (09022015). Collection method: clinical testing. Allele origin: germline.
Comment: This sequence change replaces alanine, which is neutral and non-polar, with serine, which is neutral and polar, at codon 263 of the GRIN2D protein (p.Ala263Ser). The frequency data for this variant in the population databases is considered unreliable, as metrics indicate poor data quality at this position in the gnomAD database. This variant has not been reported in the literature in individuals affected with GRIN2D-related conditions. ClinVar contains an entry for this variant (Variation ID: 2905792). Invitae Evidence Modeling of protein sequence and biophysical properties (such as structural, functional, and spatial information, amino acid conservation, physicochemical variation, residue mobility, and thermodynamic stability) indicates that this missense variant is not expected to disrupt GRIN2D protein function with a negative predictive value of 80%. In summary, the available evidence is currently insufficient to determine the role of this variant in disease. Therefore, it has been classified as a Variant of Uncertain Significance.